The following is an entry in ClinVar:

ClinVar aggregate classification (germline): Uncertain significance. Review status: criteria provided, multiple submitters, no conflicts (2 of 4 stars). 3 submissions from 3 submitters: Uncertain significance (3). Last evaluated 2025-03-26.

Allele frequency attached by ClinVar (database versions not stated): gnomAD exomes below 0.00001 and 0.00001; gnomAD 0.00001; TOPMed 0.00001.

Submissions (3):

Labcorp Genetics (formerly Invitae), Labcorp
Classification: Uncertain significance. Last evaluated: 2025-03-26. Review status: criteria provided, single submitter. Criteria: Invitae Variant Classification Sherloc (09022015). Collection method: clinical testing. Allele origin: germline.
Comment: This sequence change replaces alanine, which is neutral and non-polar, with valine, which is neutral and non-polar, at codon 314 of the SRP72 protein (p.Ala314Val). This variant is present in population databases (no rsID available, gnomAD 0.002%). This variant has not been reported in the literature in individuals affected with SRP72-related conditions. ClinVar contains an entry for this variant (Variation ID: 1407035). Invitae Evidence Modeling of protein sequence and biophysical properties (such as structural, functional, and spatial information, amino acid conservation, physicochemical variation, residue mobility, and thermodynamic stability) indicates that this missense variant is not expected to disrupt SRP72 protein function with a negative predictive value of 80%. In summary, the available evidence is currently insufficient to determine the role of this variant in disease. Therefore, it has been classified as a Variant of Uncertain Significance.

Ambry Genetics
Classification: Uncertain significance. Last evaluated: 2024-11-18. Review status: criteria provided, single submitter. Criteria: Ambry Variant Classification Scheme 2023. Collection method: clinical testing. Allele origin: germline.
Comment: The p.A314V variant (also known as c.941C>T), located in coding exon 9 of the SRP72 gene, results from a C to T substitution at nucleotide position 941. The alanine at codon 314 is replaced by valine, an amino acid with similar properties. This amino acid position is conserved. In addition, the in silico prediction for this alteration is inconclusive. Based on the available evidence, the clinical significance of this variant remains unclear.

GeneDx
Classification: Uncertain significance. Last evaluated: 2022-12-13. Review status: criteria provided, single submitter. Criteria: GeneDx Variant Classification Process June 2021. Collection method: clinical testing. Allele origin: germline. Affected: yes.
Comment: Not observed at significant frequency in large population cohorts (gnomAD); In silico analysis supports that this missense variant does not alter protein structure/function; Has not been previously published as pathogenic or benign to our knowledge

NM_006947.4(SRP72):c.941C>T (p.Ala314Val)

Gene: SRP72 (signal recognition particle 72; plus strand). Cytogenetic location: 4q12.
Variant type: single nucleotide variant.
Coding change: c.941C>T on transcript NM_006947.4 (MANE Select); coding-DNA position 941, C replaced by T.
Protein change: p.Ala314Val; replaces alanine 314 with valine.
Molecular consequence: missense variant. On other transcripts: non-coding transcript variant (1).
Genome position (GRCh38, 1-based): chr4:56,483,254, C>T. VCF-style: chr4-56483254-C-T. GRCh37 (hg19) VCF-style: chr4-57349420-C-T.
Other names: c.758C>T, p.Ala253Val (NM_001267722.2); c.941C>T (NM_006947.3); short protein forms A253V, A314V.
Identifiers: ClinVar variation 1407035 (VCV001407035.9), dbSNP rs1460929329, ClinGen allele CA356999450.
Genomic context (GRCh38, chr4:56,483,254, plus strand): 5'-TAGAGTTTAAGCTTTCCAAGAAACAACTACAAGCTATAGAATTTAACAAAGCTTTACTTG[C>T]TATGTACACAAACCAGGTGGGTAATTACCTTTGGTGTCATGGCTAAACCTTTTGTAATAT-3'
Protein context (NP_008878.3, residues 304-324): QAIEFNKALL[Ala314Val]MYTNQAEQCR